The following is an entry in ClinVar:

NM_000452.3(SLC10A2):c.198G>A (p.Trp66Ter)

Gene: SLC10A2 (solute carrier family 10 member 2; minus strand). Cytogenetic location: 13q33.1.
Variant type: single nucleotide variant.
Coding change: c.198G>A on transcript NM_000452.3 (MANE Select); coding-DNA position 198, G replaced by A.
Protein change: p.Trp66Ter; replaces tryptophan 66 with a stop codon.
Molecular consequence: nonsense.
Genome position (GRCh38, 1-based): chr13:103,066,052, C>T on the plus strand (G>A on the coding strand, the complement: SLC10A2 is on the minus strand). VCF-style: chr13-103066052-C-T. GRCh37 (hg19) VCF-style: chr13-103718402-C-T.
Other names: short protein forms W66*.
Identifiers: ClinVar variation 1975128 (VCV001975128.5), dbSNP rs2138928437, ClinGen allele CA388609296.

ClinVar aggregate classification (germline): Uncertain significance (1 of 4 stars; one submission).

Submission:

Labcorp Genetics (formerly Invitae), Labcorp
Classification: Uncertain significance. Last evaluated: 2022-03-04. Review status: criteria provided, single submitter. Criteria: Invitae Variant Classification Sherloc (09022015). Collection method: clinical testing. Allele origin: germline.
Comment: This sequence change creates a premature translational stop signal (p.Trp66*) in the SLC10A2 gene. It is expected to result in an absent or disrupted protein product. However, the current clinical and genetic evidence is not sufficient to establish whether loss-of-function variants in SLC10A2 cause disease. This variant is not present in population databases (gnomAD no frequency). This variant has not been reported in the literature in individuals affected with SLC10A2-related conditions. In summary, the available evidence is currently insufficient to determine the role of this variant in disease. Therefore, it has been classified as a Variant of Uncertain Significance.